The following is an entry in ClinVar:

NM_015909.4(NBAS):c.2167C>G (p.Gln723Glu)

Gene: NBAS (NBAS subunit of NRZ tethering complex; minus strand). Cytogenetic location: 2p24.3.
Variant type: single nucleotide variant.
Coding change: c.2167C>G on transcript NM_015909.4 (MANE Select); coding-DNA position 2167, C replaced by G.
Protein change: p.Gln723Glu; replaces glutamine 723 with glutamic acid.
Molecular consequence: missense variant. On other transcripts: non-coding transcript variant (1).
Genome position (GRCh38, 1-based): chr2:15,461,722, G>C on the plus strand (C>G on the coding strand, the complement: NBAS is on the minus strand). VCF-style: chr2-15461722-G-C. GRCh37 (hg19) VCF-style: chr2-15601846-G-C.
Other names: short protein forms Q723E.
Identifiers: ClinVar variation 2052832 (VCV002052832.4), dbSNP rs1278049478, ClinGen allele CA345881123.

ClinVar aggregate classification (germline): Uncertain significance (1 of 4 stars; one submission).

Allele frequency attached by ClinVar (database versions not stated): gnomAD exomes below 0.00001.
gnomAD v4.1: 1 of 1,607,374 alleles (0.000062%); highest among the groups gnomAD compares: Non-Finnish European, 0.000085%; no homozygotes.

Submission:

Labcorp Genetics (formerly Invitae), Labcorp
Classification: Uncertain significance. Last evaluated: 2022-08-15. Review status: criteria provided, single submitter. Criteria: Invitae Variant Classification Sherloc (09022015). Collection method: clinical testing. Allele origin: germline.
Comment: In summary, the available evidence is currently insufficient to determine the role of this variant in disease. Therefore, it has been classified as a Variant of Uncertain Significance. Algorithms developed to predict the effect of missense changes on protein structure and function are either unavailable or do not agree on the potential impact of this missense change (SIFT: "Deleterious"; PolyPhen-2: "Benign"; Align-GVGD: "Class C25"). This variant has not been reported in the literature in individuals affected with NBAS-related conditions. This variant is present in population databases (no rsID available, gnomAD 0.0009%). This sequence change replaces glutamine, which is neutral and polar, with glutamic acid, which is acidic and polar, at codon 723 of the NBAS protein (p.Gln723Glu).